The following is an entry in ClinVar:

ClinVar aggregate classification (germline): Benign. Review status: criteria provided, multiple submitters, no conflicts (2 of 4 stars). 3 submissions from 3 submitters: Benign (2). 1 of the submissions does not count toward it. Last evaluated 2018-11-15.

Conditions:
CFAP69-related disorder. Also called: CFAP69-related condition.

Allele frequency attached by ClinVar (database versions not stated): ExAC 0.00259; 1000 Genomes Project 0.00639; 1000 Genomes Project 30x 0.00687; ESP Exome Variant Server 0.00789; gnomAD 0.00813 and 0.00889; TOPMed 0.00912.

Submissions (3):

Labcorp Genetics (formerly Invitae), Labcorp
Classification: Benign. Last evaluated: 2018-11-15. Review status: criteria provided, single submitter. Criteria: Invitae Variant Classification Sherloc (09022015). Collection method: clinical testing. Allele origin: germline.

Breakthrough Genomics
Classification: Benign. Review status: criteria provided, single submitter. Criteria: ACMG Guidelines, 2015. Collection method: not provided. Allele origin: germline. Inheritance: Autosomal recessive inheritance. Affected: yes.

PreventionGenetics, part of Exact Sciences
Classification: Benign for CFAP69-related condition. Last evaluated: 2019-07-16. Review status: no assertion criteria provided. Collection method: clinical testing. Allele origin: germline. Not counted in ClinVar's aggregate classification.
Comment: This variant is classified as benign based on ACMG/AMP sequence variant interpretation guidelines (Richards et al. 2015 PMID: 25741868, with internal and published modifications).

NM_001039706.3(CFAP69):c.317G>A (p.Arg106His)

Gene: CFAP69 (cilia and flagella associated protein 69; plus strand). Cytogenetic location: 7q21.13.
Variant type: single nucleotide variant.
Coding change: c.317G>A on transcript NM_001039706.3 (MANE Select); coding-DNA position 317, G replaced by A.
Protein change: p.Arg106His; replaces arginine 106 with histidine.
Molecular consequence: missense variant.
Genome position (GRCh38, 1-based): chr7:90,262,017, G>A. VCF-style: chr7-90262017-G-A. GRCh37 (hg19) VCF-style: chr7-89891331-G-A.
Other names: c.317G>A, p.Arg106His (NM_001160138.2, NM_001363438.1); short protein forms R106H.
Identifiers: ClinVar variation 712004 (VCV000712004.6), dbSNP rs151205971, ClinGen allele CA4333241.